The following is an entry in ClinVar:

NM_003922.4(HERC1):c.8088A>G (p.Thr2696=)

Gene: HERC1 (HECT and RLD domain containing E3 ubiquitin protein ligase family member 1; minus strand). Cytogenetic location: 15q22.31.
Variant type: single nucleotide variant.
Coding change: c.8088A>G on transcript NM_003922.4 (MANE Select); coding-DNA position 8088, A replaced by G.
Protein change: p.Thr2696=; no amino-acid change (threonine 2696 retained).
Molecular consequence: synonymous variant.
Genome position (GRCh38, 1-based): chr15:63,669,656, T>C on the plus strand (A>G on the coding strand, the complement: HERC1 is on the minus strand). VCF-style: chr15-63669656-T-C. GRCh37 (hg19) VCF-style: chr15-63961855-T-C.
Identifiers: ClinVar variation 435412 (VCV000435412.46), dbSNP rs76114496, ClinGen allele CA7605031.
Genomic context (GRCh38, chr15:63,669,656, plus strand): 5'-TCCTACTTCATCAGAAGGAGAGGTTGGTAACGAAGATATTGGAGGAGTCTGTGCCCGACG[T>C]GTGGGAAGTACAGTGGTAGTTGGGTAACTAGAGAACATTTGCCTTTAAGAAAATAACAGT-3'
Protein context (NP_003913.3, residues 2686-2706): SSYPTTTVLP[Thr2696=]RRAQTPPISS

ClinVar aggregate classification (germline): Benign/Likely benign. Review status: criteria provided, multiple submitters, no conflicts (2 of 4 stars). 4 submissions from 4 submitters: Benign (2); Likely benign (2). Last evaluated 2026-08-01.

Allele frequency attached by ClinVar (database versions not stated): 1000 Genomes Project 0.00120; 1000 Genomes Project 30x 0.00172; TOPMed 0.00597; gnomAD 0.00613 and 0.00627; ESP Exome Variant Server 0.00740.
gnomAD v4.1: 14,061 of 1,613,902 alleles (0.87%); highest among the groups gnomAD compares: Non-Finnish European, 1.1%; 94 homozygotes.

Submissions (4):

CeGaT Center for Human Genetics Tuebingen
Classification: Benign. Last evaluated: 2026-08-01. Review status: criteria provided, single submitter. Criteria: CeGaT Center For Human Genetics Tuebingen Variant Classification Criteria Version 2. Collection method: clinical testing. Allele origin: germline. Affected: yes. Observed: 24 variant alleles.
Comment: HERC1: BP4, BP7, BS1, BS2

Labcorp Genetics (formerly Invitae), Labcorp
Classification: Benign. Last evaluated: 2026-01-27. Review status: criteria provided, single submitter. Criteria: Invitae Variant Classification Sherloc (09022015). Collection method: clinical testing. Allele origin: germline.

Genetic Services Laboratory, University of Chicago
Classification: Likely benign. Last evaluated: 2016-07-06. Review status: criteria provided, single submitter. Criteria: ACMG Guidelines, 2015. Collection method: clinical testing. Allele origin: germline. Affected: no.

Breakthrough Genomics
Classification: Likely benign. Review status: criteria provided, single submitter. Criteria: ACMG Guidelines, 2015. Collection method: not provided. Allele origin: germline. Inheritance: Autosomal recessive inheritance. Affected: yes.